The following is an entry in ClinVar:

NM_004714.3(DYRK1B):c.305G>A (p.Arg102His)

Gene: DYRK1B (dual specificity tyrosine phosphorylation regulated kinase 1B; minus strand). Cytogenetic location: 19q13.2.
Variant type: single nucleotide variant.
Coding change: c.305G>A on transcript NM_004714.3 (MANE Select); coding-DNA position 305, G replaced by A.
Protein change: p.Arg102His; replaces arginine 102 with histidine.
Molecular consequence: missense variant.
Genome position (GRCh38, 1-based): chr19:39,830,442, C>T on the plus strand (G>A on the coding strand, the complement: DYRK1B is on the minus strand). VCF-style: chr19-39830442-C-T. GRCh37 (hg19) VCF-style: chr19-40321082-C-T.
Other names: c.305G>A, p.Arg102His (NM_006483.3, NM_006484.3); short protein forms R102H.
Identifiers: ClinVar variation 3351620 (VCV003351620.1).
Genomic context (GRCh38, chr19:39,830,442, plus strand): 5'-AAGGAGCCTTTGCCAATGAGCGAGTCAATTTCGTAGCGCTCCAGCCAGCGCTCGCCACTG[C>T]GCACGATGTAGTCATGGTTGTCGTCATCATAACCATGGTTCAGGACCTTCTTCTCCTTCT-3'
Protein context (NP_004705.1, residues 92-112): YDDDNHDYIV[Arg102His]SGERWLERYE

ClinVar aggregate classification (germline): Uncertain significance (0 of 4 stars; one submission).

Conditions:
DYRK1B-related disorder. Also called: DYRK1B-related condition.

Submission:

PreventionGenetics, part of Exact Sciences
Classification: Uncertain significance for DYRK1B-related condition. Last evaluated: 2024-08-29. Review status: no assertion criteria provided. Collection method: clinical testing. Allele origin: germline.
Comment: The DYRK1B c.305G>A variant is predicted to result in the amino acid substitution p.Arg102His. This variant has been reported in two individuals from the Rare variants involved in Diabetes and Obesity (RaDiO) study cohort and functional studies found it results reduced Wnt signaling (Folon et al. 2024. PubMed ID: 38170957). This variant is reported in 0.0056% of alleles in individuals of Latino descent in gnomAD. At this time, the clinical significance of this variant is uncertain due to the absence of conclusive functional and genetic evidence.